The following is an entry in ClinVar:

ClinVar aggregate classification (germline): Uncertain significance. Review status: criteria provided, multiple submitters, no conflicts (2 of 4 stars). 2 submissions from 2 submitters: Uncertain significance (2). Last evaluated 2024-10-29.

Conditions:
Severe combined immunodeficiency due to DNA-PKcs deficiency. Also called: IMMUNODEFICIENCY 26 WITH NEUROLOGIC ABNORMALITIES; Immunodeficiency 26 with or without neurologic abnormalities. Identifiers: Orphanet 317425, MedGen C4014833, MONDO:0014423, OMIM 615966.

Allele frequency attached by ClinVar (database versions not stated): gnomAD 0.00001; gnomAD exomes 0.00001 and 0.00002; TOPMed 0.00001; ExAC 0.00002; ESP Exome Variant Server 0.00008.
gnomAD v4.1: 10 of 1,608,696 alleles (0.00062%); highest among the groups gnomAD compares: Admixed American, 0.0085%; no homozygotes.

Submissions (2):

Labcorp Genetics (formerly Invitae), Labcorp
Classification: Uncertain significance for Severe combined immunodeficiency due to DNA-PKcs deficiency. Last evaluated: 2024-10-29. Review status: criteria provided, single submitter. Criteria: Invitae Variant Classification Sherloc (09022015). Collection method: clinical testing. Allele origin: germline.
Comment: This sequence change replaces arginine, which is basic and polar, with glutamine, which is neutral and polar, at codon 964 of the PRKDC protein (p.Arg964Gln). This variant is present in population databases (rs375395171, gnomAD 0.01%). This variant has not been reported in the literature in individuals affected with PRKDC-related conditions. ClinVar contains an entry for this variant (Variation ID: 958616). Invitae Evidence Modeling of protein sequence and biophysical properties (such as structural, functional, and spatial information, amino acid conservation, physicochemical variation, residue mobility, and thermodynamic stability) indicates that this missense variant is not expected to disrupt PRKDC protein function with a negative predictive value of 80%. In summary, the available evidence is currently insufficient to determine the role of this variant in disease. Therefore, it has been classified as a Variant of Uncertain Significance.

Ambry Genetics
Classification: Uncertain significance. Last evaluated: 2022-07-13. Review status: criteria provided, single submitter. Criteria: Ambry Variant Classification Scheme 2023. Collection method: clinical testing. Allele origin: germline.

NM_006904.7(PRKDC):c.2891G>A (p.Arg964Gln)

Gene: PRKDC (protein kinase, DNA-activated, catalytic subunit; minus strand). Cytogenetic location: 8q11.21.
Variant type: single nucleotide variant.
Coding change: c.2891G>A on transcript NM_006904.7 (MANE Select); coding-DNA position 2891, G replaced by A.
Protein change: p.Arg964Gln; replaces arginine 964 with glutamine.
Molecular consequence: missense variant.
Genome position (GRCh38, 1-based): chr8:47,912,453, C>T on the plus strand (G>A on the coding strand, the complement: PRKDC is on the minus strand). VCF-style: chr8-47912453-C-T. GRCh37 (hg19) VCF-style: chr8-48825013-C-T.
Other names: c.2891G>A, p.Arg964Gln (NM_001081640.2); short protein forms R964Q.
Identifiers: ClinVar variation 958616 (VCV000958616.9), dbSNP rs375395171, ClinGen allele CA4741339.